The following is an entry in ClinVar:

ClinVar aggregate classification (germline): Uncertain significance (1 of 4 stars; one submission).

Conditions:
Encephalopathy, acute, infection-induced (herpes-specific), susceptibility to, 6. Also called: Herpes simplex encephalitis, susceptibility to, 4. Identifiers: Orphanet 1930, MedGen C3553869, MONDO:0013921, OMIM 614850.

Allele frequency attached by ClinVar (database versions not stated): gnomAD exomes below 0.00001; gnomAD 0.00001.
gnomAD v4.1: 3 of 1,612,802 alleles (0.00019%); highest among the groups gnomAD compares: Admixed American, 0.0033%; no homozygotes.

Submission:

Labcorp Genetics (formerly Invitae), Labcorp
Classification: Uncertain significance for Encephalopathy, acute, infection-induced (herpes-specific), susceptibility to, 6. Last evaluated: 2025-10-20. Review status: criteria provided, single submitter. Criteria: Invitae Variant Classification Sherloc (09022015). Collection method: clinical testing. Allele origin: germline.
Comment: This sequence change replaces alanine, which is neutral and non-polar, with threonine, which is neutral and polar, at codon 57 of the TICAM1 protein (p.Ala57Thr). This variant is not present in population databases (gnomAD no frequency). This variant has not been reported in the literature in individuals affected with TICAM1-related conditions. ClinVar contains an entry for this variant (Variation ID: 1980666). An algorithm developed to predict the effect of missense changes on protein structure and function (PolyPhen-2) suggests that this variant is likely to be disruptive. In summary, the available evidence is currently insufficient to determine the role of this variant in disease. Therefore, it has been classified as a Variant of Uncertain Significance.

NM_182919.4(TICAM1):c.169G>A (p.Ala57Thr)

Gene: TICAM1 (TIR domain containing adaptor molecule 1; minus strand). Cytogenetic location: 19p13.3.
Variant type: single nucleotide variant.
Coding change: c.169G>A on transcript NM_182919.4 (MANE Select); coding-DNA position 169, G replaced by A.
Protein change: p.Ala57Thr; replaces alanine 57 with threonine.
Molecular consequence: missense variant. On other transcripts: intron variant (1).
Genome position (GRCh38, 1-based): chr19:4,818,209, C>T on the plus strand (G>A on the coding strand, the complement: TICAM1 is on the minus strand). VCF-style: chr19-4818209-C-T. GRCh37 (hg19) VCF-style: chr19-4818221-C-T.
Other names: c.127G>A, p.Ala43Thr (NM_001385678.1); c.34G>A, p.Ala12Thr (NM_001385679.1); c.-72+175G>A (NM_001385680.1); short protein forms A12T, A43T, A57T.
Identifiers: ClinVar variation 1980666 (VCV001980666.4), dbSNP rs2093591175, ClinGen allele CA403493394.
Genomic context (GRCh38, chr19:4,818,209, plus strand): 5'-ACTGGCGGGCCACCAGCCGGGCCACCGCATCGGCCTTCAATGCCTCTAGAGAGATCCTGG[C>T]CTCAGTTTCCTGGCCCAGCTTCAGGAGAACCATGGCATGCAGGAGGTCCTGCCCCTGGCA-3'
Protein context (NP_891549.1, residues 47-67): VLLKLGQETE[Ala57Thr]RISLEALKAD